The following is an entry in ClinVar:

ClinVar aggregate classification (germline): Uncertain significance (1 of 4 stars; one submission).

Conditions:
Hyperphosphatasia with intellectual disability syndrome 5 (GPIBD11). Also called: GLYCOSYLPHOSPHATIDYLINOSITOL BIOSYNTHESIS DEFECT 11. Identifiers: Orphanet 247262, MedGen C4014958, MONDO:0014457, OMIM 616025.

Allele frequency attached by ClinVar (database versions not stated): TOPMed below 0.00001.

Submission:

Labcorp Genetics (formerly Invitae), Labcorp
Classification: Uncertain significance for Hyperphosphatasia with intellectual disability syndrome 5. Last evaluated: 2021-07-08. Review status: criteria provided, single submitter. Criteria: Invitae Variant Classification Sherloc (09022015). Collection method: clinical testing. Allele origin: germline.
Comment: In summary, the available evidence is currently insufficient to determine the role of this variant in disease. Therefore, it has been classified as a Variant of Uncertain Significance. Algorithms developed to predict the effect of missense changes on protein structure and function (SIFT, PolyPhen-2, Align-GVGD) all suggest that this variant is likely to be tolerated, but these predictions have not been confirmed by published functional studies and their clinical significance is uncertain. This variant has not been reported in the literature in individuals with PIGW-related conditions. This variant is not present in population databases (ExAC no frequency). This sequence change replaces phenylalanine with serine at codon 478 of the PIGW protein (p.Phe478Ser). The phenylalanine residue is weakly conserved and there is a large physicochemical difference between phenylalanine and serine.

NM_001346754.2(PIGW):c.1433T>C (p.Phe478Ser)

Genes: MYO19 (myosin XIX; minus strand), PIGW (phosphatidylinositol glycan anchor biosynthesis class W; plus strand). Cytogenetic location: 17q12.
Variant type: single nucleotide variant.
Coding change: c.1433T>C on transcript NM_001346754.2 (MANE Select); coding-DNA position 1433, T replaced by C.
Protein change: p.Phe478Ser; replaces phenylalanine 478 with serine.
Molecular consequence: missense variant.
Genome position (GRCh38, 1-based): chr17:36,538,534, T>C. VCF-style: chr17-36538534-T-C. GRCh37 (hg19) VCF-style: chr17-34894383-T-C.
Other names: c.1433T>C, p.Phe478Ser (NM_001346755.2, NM_178517.5); short protein forms F478S.
Identifiers: ClinVar variation 1433528 (VCV001433528.6), dbSNP rs2074175043, ClinGen allele CA399164972.
Genomic context (GRCh38, chr17:36,538,534, plus strand): 5'-CAACTGGCCTGATCAACCTGATGGTAGATACATTACACAGCAGTACCTTGTGGGCCTTAT[T>C]TGTGGTCAATCTCTATATGTTTTCCAACTGTTTAATTGTATATGTACTATATTTGCAAGA-3'
Protein context (NP_001333683.1, residues 468-488): TLHSSTLWAL[Phe478Ser]VVNLYMFSNC